The following is an entry in ClinVar:

NM_001854.4(COL11A1):c.2813C>T (p.Pro938Leu)

Gene: COL11A1 (collagen type XI alpha 1 chain; minus strand). Cytogenetic location: 1p21.1.
Variant type: single nucleotide variant.
Coding change: c.2813C>T on transcript NM_001854.4 (MANE Select); coding-DNA position 2813, C replaced by T.
Protein change: p.Pro938Leu; replaces proline 938 with leucine.
Molecular consequence: missense variant. On other transcripts: non-coding transcript variant (1).
Genome position (GRCh38, 1-based): chr1:102,970,268, G>A on the plus strand (C>T on the coding strand, the complement: COL11A1 is on the minus strand). VCF-style: chr1-102970268-G-A. GRCh37 (hg19) VCF-style: chr1-103435824-G-A.
Other names: c.2696C>T, p.Pro899Leu (NM_001190709.2); c.2849C>T, p.Pro950Leu (NM_080629.3); c.2465C>T, p.Pro822Leu (NM_080630.4); short protein forms P899L, P822L, P938L, P950L.
Identifiers: ClinVar variation 4779314 (VCV004779314.2).
Genomic context (GRCh38, chr1:102,970,268, plus strand): 5'-AGGTCACTTACAGTCTCCCCACGTTGCCCAGGGTGTCCTGGCAGCCCATCCTTCCCAGGT[G>A]GTCCCTGAAATTACAAATATTAAATACCACATGTCATAAATATTTAATTATTTTATAGTC-3'
Protein context (NP_001845.3, residues 928-948): GFPGPKGPPG[Pro938Leu]PGKDGLPGHP

ClinVar aggregate classification (germline): Uncertain significance. Review status: criteria provided, multiple submitters, no conflicts (2 of 4 stars). 2 submissions from 2 submitters: Uncertain significance (2). Last evaluated 2025-03-27.

gnomAD v4.1: 6 of 1,610,466 alleles (0.00037%); highest among the groups gnomAD compares: Non-Finnish European, 0.00051%; no homozygotes.

Submissions (2):

Labcorp Genetics (formerly Invitae), Labcorp
Classification: Uncertain significance. Last evaluated: 2025-03-27. Review status: criteria provided, single submitter. Criteria: Invitae Variant Classification Sherloc (09022015). Collection method: clinical testing. Allele origin: germline.
Comment: This sequence change replaces proline, which is neutral and non-polar, with leucine, which is neutral and non-polar, at codon 938 of the COL11A1 protein (p.Pro938Leu). This variant is not present in population databases (gnomAD no frequency). This variant has not been reported in the literature in individuals affected with COL11A1-related conditions. Invitae Evidence Modeling of protein sequence and biophysical properties (such as structural, functional, and spatial information, amino acid conservation, physicochemical variation, residue mobility, and thermodynamic stability) indicates that this missense variant is not expected to disrupt COL11A1 protein function with a negative predictive value of 80%. In summary, the available evidence is currently insufficient to determine the role of this variant in disease. Therefore, it has been classified as a Variant of Uncertain Significance.

Blueprint Genetics
Classification: Uncertain significance. Last evaluated: 2019-10-30. Review status: criteria provided, single submitter. Criteria: ACMG Guidelines, 2015. Collection method: clinical testing. Allele origin: germline.